The following is an entry in ClinVar:

NM_000152.5(GAA):c.1438-10C>T

Gene: GAA (alpha glucosidase; plus strand). Cytogenetic location: 17q25.3.
Variant type: single nucleotide variant.
Coding change: c.1438-10C>T on transcript NM_000152.5 (MANE Select); 10 bases into the intron before coding-DNA position 1438, C replaced by T.
Molecular consequence: intron variant.
Genome position (GRCh38, 1-based): chr17:80,110,717, C>T. VCF-style: chr17-80110717-C-T. GRCh37 (hg19) VCF-style: chr17-78084516-C-T.
Other names: c.1438-10C>T (NM_001079803.3, NM_001079804.3, NM_000152.4).
Identifiers: ClinVar variation 744401 (VCV000744401.13), dbSNP rs1029231930, ClinGen allele CA294894802.

ClinVar aggregate classification (germline): Likely benign. Review status: criteria provided, single submitter (1 of 4 stars). 2 submissions from 2 submitters: Likely benign (1). 1 of the submissions does not count toward it. Last evaluated 2026-01-19.

Conditions:
GAA-related disorder. Also called: GAA-related condition.
Glycogen storage disease, type II (IOPD). Also called: POMPE DISEASE, INFANTILE-ONSET; GLYCOGEN STORAGE DISEASE II, INFANTILE-ONSET; Pompe Disease; CARDIOMEGALIA GLYCOGENICA DIFFUSA; GLYCOGENOSIS, GENERALIZED, CARDIAC FORM; GSD II. Identifiers: Orphanet 365, MedGen C0017921, MONDO:0009290, OMIM 232300.

Allele frequency attached by ClinVar (database versions not stated): gnomAD 0.00001; gnomAD exomes 0.00001; TOPMed 0.00002.
gnomAD v4.1: 16 of 1,612,714 alleles (0.00099%); highest among the groups gnomAD compares: Non-Finnish European, 0.0013%; no homozygotes.

Submissions (2):

Labcorp Genetics (formerly Invitae), Labcorp
Classification: Likely benign for Glycogen storage disease, type II. Last evaluated: 2026-01-19. Review status: criteria provided, single submitter. Criteria: Invitae Variant Classification Sherloc (09022015). Collection method: clinical testing. Allele origin: germline.

PreventionGenetics, part of Exact Sciences
Classification: Likely benign for GAA-related condition. Last evaluated: 2023-07-27. Review status: no assertion criteria provided. Collection method: clinical testing. Allele origin: germline. Not counted in ClinVar's aggregate classification.
Comment: This variant is classified as likely benign based on ACMG/AMP sequence variant interpretation guidelines (Richards et al. 2015 PMID: 25741868, with internal and published modifications).